The following is an entry in ClinVar:

ClinVar aggregate classification (germline): Benign/Likely benign. Review status: criteria provided, multiple submitters, no conflicts (2 of 4 stars). 11 submissions from 11 submitters: Benign (9); Likely benign (1). 1 of the submissions does not count toward it. Last evaluated 2026-02-03.

Conditions:
Ventricular tachycardia. Identifiers: MedGen C0042514, MONDO:0005477, HP:0004756.
Cardiomyopathy (CMYO). Also called: Cardiomyopathies. Identifiers: Orphanet 167848, MedGen C0878544, MONDO:0004994, HP:0001638. Inheritance: Various modes of inheritance.
Hypertrophic cardiomyopathy. Also called: HYPERTROPHIC MYOCARDIOPATHY. Identifiers: Orphanet 217569, MedGen C0007194, MeSH D002312, MONDO:0005045, HP:0001639.
Primary dilated cardiomyopathy (DCM). Also called: Dilated Cardiomyopathy. Identifiers: Orphanet 217604, MedGen C0007193, MeSH D002311, MONDO:0005021, HP:0001644. Inheritance: Various modes of inheritance.
Supraventricular tachycardia. Identifiers: MedGen C0039240, HP:0004755.
Cardiovascular phenotype. Identifiers: MedGen CN230736.
Brugada syndrome 4 (BRGDA4). Identifiers: Orphanet 130, MedGen C2678477, MONDO:0012743, OMIM 611876.

Allele frequency attached by ClinVar (database versions not stated): 1000 Genomes Project 30x 0.00406; 1000 Genomes Project 0.00439; TOPMed 0.01117; ESP Exome Variant Server 0.01261.
gnomAD v4.1: 24,027 of 1,613,704 alleles (1.5%); highest among the groups gnomAD compares: Non-Finnish European, 1.9%; 194 homozygotes.

Submissions (11):

Labcorp Genetics (formerly Invitae), Labcorp
Classification: Benign for Brugada syndrome 4. Last evaluated: 2026-02-03. Review status: criteria provided, single submitter. Criteria: Invitae Variant Classification Sherloc (09022015). Collection method: clinical testing. Allele origin: germline.

Blueprint Genetics
Classification: Likely benign. Last evaluated: 2024-11-26. Review status: criteria provided, single submitter. Criteria: ACMG Guidelines, 2015. Collection method: clinical testing. Allele origin: germline.

ARUP Laboratories, Molecular Genetics and Genomics, ARUP Laboratories
Classification: Benign for Brugada syndrome 4. Last evaluated: 2023-11-01. Review status: criteria provided, single submitter. Criteria: ARUP Molecular Germline Variant Investigation Process 2024. Collection method: clinical testing. Allele origin: germline.

Center for Advanced Laboratory Medicine, UC San Diego Health, University of California San Diego
Classification: Benign for Cardiomyopathy; Hypertrophic cardiomyopathy; Supraventricular tachycardia; Ventricular tachycardia; Dilated cardiomyopathy. Last evaluated: 2019-03-15. Review status: criteria provided, single submitter. Criteria: ACMG Guidelines, 2015. Collection method: clinical testing. Allele origin: germline. Affected: yes. Observed: 6 variant alleles.

Mayo Clinic Laboratories, Mayo Clinic
Classification: Benign. Last evaluated: 2018-01-19. Review status: criteria provided, single submitter. Criteria: ACMG Guidelines, 2015. Collection method: clinical testing. Allele origin: germline. Observed: 17 variant alleles.

Genome Diagnostics Laboratory, University Medical Center Utrecht
Classification: Benign for Brugada syndrome 4. Last evaluated: 2016-05-12. Review status: criteria provided, single submitter. Criteria: ACGS Guidelines, 2013. Collection method: clinical testing. Allele origin: germline. Affected: yes. Study: VKGL Data-share Consensus.

Ambry Genetics
Classification: Benign for Cardiovascular phenotype. Last evaluated: 2015-11-10. Review status: criteria provided, single submitter. Criteria: Ambry Variant Classification Scheme 2023. Collection method: clinical testing. Allele origin: germline.

GeneDx
Classification: Benign. Last evaluated: 2015-03-03. Review status: criteria provided, single submitter. Criteria: GeneDx Variant Classification Process June 2021. Collection method: clinical testing. Allele origin: germline. Affected: yes.

Biesecker Lab/Clinical Genomics Section, National Institutes of Health
Classification: Benign. Last evaluated: 2013-06-24. Review status: criteria provided, single submitter. Criteria: Ng et al. (Circ Cardiovasc Genet. 2013). Collection method: research. Allele origin: unknown. Observed: 22 variant alleles. Study: ClinSeq.
Comment: The study set was not selected for affection status in relation to any cancer. Pathogenicity categories were based on literature curation. See Pubmed ID:23861362 for details.

Medical sequencing

PreventionGenetics, part of Exact Sciences
Classification: Benign. Review status: criteria provided, single submitter. Criteria: ACMG Guidelines, 2015. Collection method: clinical testing. Allele origin: germline.

Clinical Genetics, Academic Medical Center
Classification: Benign. Review status: no assertion criteria provided. Collection method: clinical testing. Allele origin: germline. Affected: yes. Study: VKGL Data-share Consensus. Not counted in ClinVar's aggregate classification.

NM_201596.3(CACNB2):c.1816C>G (p.Arg606Gly)

Gene: CACNB2 (calcium voltage-gated channel auxiliary subunit beta 2; plus strand). Cytogenetic location: 10p12.31.
Variant type: single nucleotide variant.
Coding change: c.1816C>G on transcript NM_201596.3 (MANE Select); coding-DNA position 1816, C replaced by G.
Protein change: p.Arg606Gly; replaces arginine 606 with glycine.
Molecular consequence: missense variant.
Genome position (GRCh38, 1-based): chr10:18,539,557, C>G. VCF-style: chr10-18539557-C-G. GRCh37 (hg19) VCF-style: chr10-18828486-C-G.
Other names: p.Arg552Gly; c.1651C>G, p.Arg551Gly (NM_000724.4); c.1618C>G, p.Arg540Gly (NM_001167945.2); c.1537C>G, p.Arg513Gly (NM_001330060.2); c.1672C>G, p.Arg558Gly (NM_201570.3); c.1732C>G, p.Arg578Gly (NM_201571.4); c.1660C>G, p.Arg554Gly (NM_201572.4); c.1654C>G, p.Arg552Gly (NM_201590.3); and 2 more; short protein forms R552G, R606G, R551G, R582G, R554G, R578G, R513G, R540G.
Identifiers: ClinVar variation 191569 (VCV000191569.32), dbSNP rs61733968, ClinGen allele CA199942.